The following is an entry in ClinVar:

ClinVar aggregate classification (germline): Benign/Likely benign. Review status: criteria provided, multiple submitters, no conflicts (2 of 4 stars). 4 submissions from 4 submitters: Benign (1); Likely benign (3). Last evaluated 2026-01-02.

Conditions:
Oculotrichoanal syndrome (MOTA). Also called: Manitoba Oculotrichoanal (MOTA) Syndrome; MARLES SYNDROME. Identifiers: Orphanet 2717, MedGen C1855425, MONDO:0009560, OMIM 248450.
Trigonocephaly 2 (TRIGNO2). Identifiers: Orphanet 3366, MedGen C3280974, MONDO:0013774, OMIM 614485.
BNAR syndrome. Also called: Bifid Nose With or Without Anorectal and Renal Anomalies (BNAR) Syndrome. Identifiers: Orphanet 217266, MedGen C2750433, MONDO:0012165, OMIM 608980.

Allele frequency attached by ClinVar (database versions not stated): gnomAD exomes 0.00005 and 0.00033; TOPMed 0.00026; gnomAD 0.00032 and 0.00033; ESP Exome Variant Server 0.00033; ExAC 0.00034; 1000 Genomes Project 0.00060; 1000 Genomes Project 30x 0.00062.
gnomAD v4.1: 164 of 1,613,154 alleles (0.01%); highest among the groups gnomAD compares: East Asian, 0.2%; 1 homozygote.

Submissions (4):

Labcorp Genetics (formerly Invitae), Labcorp
Classification: Benign. Last evaluated: 2026-01-02. Review status: criteria provided, single submitter. Criteria: Invitae Variant Classification Sherloc (09022015). Collection method: clinical testing. Allele origin: germline.

Blueprint Genetics
Classification: Likely benign. Last evaluated: 2024-06-18. Review status: criteria provided, single submitter. Criteria: ACMG Guidelines, 2015. Collection method: clinical testing. Allele origin: germline.

Fulgent Genetics
Classification: Likely benign for Oculotrichoanal syndrome; BNAR syndrome; Trigonocephaly 2. Last evaluated: 2021-09-08. Review status: criteria provided, single submitter. Criteria: ACMG Guidelines, 2015. Collection method: clinical testing. Allele origin: unknown.

Illumina Laboratory Services, Illumina
Classification: Likely benign for Oculotrichoanal syndrome. Last evaluated: 2018-01-13. Review status: criteria provided, single submitter. Criteria: ICSL Variant Classification Criteria 13 December 2019. Collection method: clinical testing. Allele origin: germline.
Comment: This variant was observed in the ICSL laboratory as part of a predisposition screen in an ostensibly healthy population. It had not been previously curated by ICSL or reported in the Human Gene Mutation Database (HGMD: prior to June 1st, 2018), and was therefore a candidate for classification through an automated scoring system. Utilizing variant allele frequency, disease prevalence and penetrance estimates, and inheritance mode, an automated score was calculated to assess if this variant is too frequent to cause the disease. Based on the score and internal cut-off values, a variant classified as likely benign is not then subjected to further curation. The score for this variant resulted in a classification of likely benign for this disease.

NM_001379081.2(FREM1):c.6279A>G (p.Val2093=)

Gene: FREM1 (FRAS1 related extracellular matrix 1; minus strand). Cytogenetic location: 9p22.3.
Variant type: single nucleotide variant.
Coding change: c.6279A>G on transcript NM_001379081.2 (MANE Select); coding-DNA position 6279, A replaced by G.
Protein change: p.Val2093=; no amino-acid change (valine 2093 retained).
Molecular consequence: synonymous variant. On other transcripts: missense variant (1), non-coding transcript variant (3).
Genome position (GRCh38, 1-based): chr9:14,740,210, T>C on the plus strand (A>G on the coding strand, the complement: FREM1 is on the minus strand). VCF-style: chr9-14740210-T-C. GRCh37 (hg19) VCF-style: chr9-14740208-T-C.
Other names: c.1887A>G, p.Val629= (NM_001177704.3, NM_001370061.2); c.1621A>G, p.Ile541Val (NM_001370058.2); c.6279A>G, p.Val2093= (NM_144966.7); short protein forms I541V.
Identifiers: ClinVar variation 726972 (VCV000726972.15), dbSNP rs373107801, ClinGen allele CA4989458.